The following is an entry in ClinVar:

ClinVar aggregate classification (germline): Uncertain significance (1 of 4 stars; one submission).

gnomAD v4.1: 1 of 1,606,454 alleles (0.000062%); highest among the groups gnomAD compares: Middle Eastern, 0.016%; no homozygotes.

Submission:

Ambry Genetics
Classification: Uncertain significance. Last evaluated: 2025-01-25. Review status: criteria provided, single submitter. Criteria: Ambry Variant Classification Scheme 2023. Collection method: clinical testing. Allele origin: germline.
Comment: The p.L150V variant (also known as c.448C>G), located in coding exon 1 of the MC1R gene, results from a C to G substitution at nucleotide position 448. The leucine at codon 150 is replaced by valine, an amino acid with highly similar properties. This amino acid position is conserved. In addition, the in silico prediction for this alteration is inconclusive. Based on the available evidence, the clinical significance of this variant remains unclear.

NM_002386.4(MC1R):c.448C>G (p.Leu150Val)

Gene: MC1R (melanocortin 1 receptor; plus strand). Cytogenetic location: 16q24.3.
Variant type: single nucleotide variant.
Coding change: c.448C>G on transcript NM_002386.4 (MANE Select); coding-DNA position 448, C replaced by G.
Protein change: p.Leu150Val; replaces leucine 150 with valine.
Molecular consequence: missense variant.
Genome position (GRCh38, 1-based): chr16:89,919,706, C>G. VCF-style: chr16-89919706-C-G. GRCh37 (hg19) VCF-style: chr16-89986114-C-G.
Other names: short protein forms L150V.
Identifiers: ClinVar variation 3871098 (VCV003871098.1).